The following is an entry in ClinVar:

ClinVar aggregate classification (germline): Uncertain significance. Review status: criteria provided, multiple submitters, no conflicts (2 of 4 stars). 3 submissions from 3 submitters: Uncertain significance (3). Last evaluated 2026-07-29.

Conditions:
Cardiovascular phenotype. Identifiers: MedGen CN230736.
TTN-related disorder. Also called: TTN-related condition; TTN-related disease; TTN-related disorders.
Autosomal recessive limb-girdle muscular dystrophy type 2J (LGMDR10). Also called: Limb-girdle muscular dystrophy, type 2J; MUSCULAR DYSTROPHY, LIMB-GIRDLE, AUTOSOMAL RECESSIVE 10. Identifiers: Orphanet 140922, MedGen C1837342, MONDO:0012127, OMIM 608807.
Dilated cardiomyopathy 1G (CMD1G). Identifiers: Orphanet 154, MedGen C1858763, MONDO:0011400, OMIM 604145.

Allele frequency attached by ClinVar (database versions not stated): ExAC 0.00002; gnomAD 0.00002 and 0.00003; gnomAD exomes 0.00003; TOPMed 0.00005; ESP Exome Variant Server 0.00008.
gnomAD v4.1: 32 of 1,614,078 alleles (0.002%); highest among the groups gnomAD compares: East Asian, 0.018%; 1 homozygote.

Submissions (3):

PreventionGenetics, part of Exact Sciences
Classification: Uncertain significance for TTN-related condition. Last evaluated: 2026-07-29. Review status: criteria provided, single submitter. Criteria: ACMG Guidelines, 2015. Collection method: clinical testing. Allele origin: germline.
Comment: The TTN c.2996G>A variant is predicted to result in the amino acid substitution p.Arg999His. To our knowledge, this variant has not been reported in the literature. This variant is reported in 0.025% of alleles in individuals of East Asian descent in gnomAD. At this time, the clinical significance of this variant is uncertain due to the absence of conclusive functional and genetic evidence.

Ambry Genetics
Classification: Uncertain significance for Cardiovascular phenotype. Last evaluated: 2019-07-27. Review status: criteria provided, single submitter. Criteria: Ambry Variant Classification Scheme 2023. Collection method: clinical testing. Allele origin: germline.
Comment: The p.R953H variant (also known as c.2858G>A), located in coding exon 16 of the TTN gene, results from a G to A substitution at nucleotide position 2858. The arginine at codon 953 is replaced by histidine, an amino acid with highly similar properties. This amino acid position is well conserved in available vertebrate species. In addition, the in silico prediction for this alteration is inconclusive. Since supporting evidence is limited at this time, the clinical significance of this alteration remains unclear.

Labcorp Genetics (formerly Invitae), Labcorp
Classification: Uncertain significance for Dilated cardiomyopathy 1G; Autosomal recessive limb-girdle muscular dystrophy type 2J. Last evaluated: 2017-05-27. Review status: criteria provided, single submitter. Criteria: Invitae Variant Classification Sherloc (09022015). Collection method: clinical testing. Allele origin: germline.

NM_001267550.2(TTN):c.2996G>A (p.Arg999His)

Gene: TTN (titin; minus strand). Cytogenetic location: 2q31.2.
Variant type: single nucleotide variant.
Coding change: c.2996G>A on transcript NM_001267550.2 (MANE Select); coding-DNA position 2996, G replaced by A.
Protein change: p.Arg999His; replaces arginine 999 with histidine.
Molecular consequence: missense variant.
Genome position (GRCh38, 1-based): chr2:178,782,910, C>T on the plus strand (G>A on the coding strand, the complement: TTN is on the minus strand). VCF-style: chr2-178782910-C-T. GRCh37 (hg19) VCF-style: chr2-179647637-C-T.
Other names: c.2996G>A, p.Arg999His (NM_001256850.1, NM_133378.4, NM_133379.5); c.2858G>A, p.Arg953His (NM_003319.4, NM_133432.3, NM_133437.4); short protein forms R999H, R953H.
Identifiers: ClinVar variation 466992 (VCV000466992.6), dbSNP rs371757623, ClinGen allele CA2005670.